The following is an entry in ClinVar:

NM_133259.4(LRPPRC):c.2089A>T (p.Lys697Ter)

Gene: LRPPRC (leucine rich pentatricopeptide repeat containing; minus strand). Cytogenetic location: 2p21.
Variant type: single nucleotide variant.
Coding change: c.2089A>T on transcript NM_133259.4 (MANE Select); coding-DNA position 2089, A replaced by T.
Protein change: p.Lys697Ter; replaces lysine 697 with a stop codon.
Molecular consequence: nonsense.
Genome position (GRCh38, 1-based): chr2:43,946,234, T>A on the plus strand (A>T on the coding strand, the complement: LRPPRC is on the minus strand). VCF-style: chr2-43946234-T-A. GRCh37 (hg19) VCF-style: chr2-44173373-T-A.
Other names: short protein forms K697*.
Identifiers: ClinVar variation 5003381 (VCV005003381.1).

ClinVar aggregate classification (germline): Pathogenic (1 of 4 stars; one submission).

Conditions:
Congenital lactic acidosis, Saguenay-Lac-Saint-Jean type (MC4DN5). Also called: CYTOCHROME c OXIDASE DEFICIENCY, FRENCH CANADIAN TYPE; COX DEFICIENCY, FRENCH CANADIAN TYPE; MITOCHONDRIAL COMPLEX IV DEFICIENCY, NUCLEAR TYPE 5. Identifiers: Orphanet 70472, MedGen C1857355, MONDO:0009069, OMIM 220111.

gnomAD v4.1: 1 of 1,611,324 alleles (0.000062%); highest among the groups gnomAD compares: Non-Finnish European, 0.000085%; no homozygotes.

Submission:

Myriad Genetics, Inc.
Classification: Pathogenic for Congenital lactic acidosis, Saguenay-Lac-Saint-Jean type. Last evaluated: 2025-12-05. Review status: criteria provided, single submitter. Criteria: Myriad Autosomal Dominant, Autosomal Recessive and X-Linked Classification Criteria (2023). Collection method: clinical testing. Allele origin: unknown.
Comment: NM_133259.3(LRPPRC):c.2089A>T(K697*) is a nonsense variant classified as pathogenic in the context of Leigh syndrome, French-Canadian type. K697* has not been observed in cases with relevant disease. Relevant functional assessments of this variant are not available in the literature. K697* has not been observed in referenced population frequency databases. In summary, NM_133259.3(LRPPRC):c.2089A>T(K697*) is a nonsense variant in a gene where loss of function is a known mechanism of disease and is predicted to disrupt protein function. Please note: this variant was assessed in the context of healthy population screening.